The following is an entry in ClinVar:

ClinVar aggregate classification (germline): Uncertain significance (1 of 4 stars; one submission).

Submission:

GeneDx
Classification: Uncertain significance. Last evaluated: 2023-03-06. Review status: criteria provided, single submitter. Criteria: GeneDx Variant Classification Process June 2021. Collection method: clinical testing. Allele origin: germline. Affected: yes.
Comment: Not observed at significant frequency in large population cohorts (gnomAD); In silico analysis supports that this missense variant has a deleterious effect on protein structure/function; Has not been previously published as pathogenic or benign to our knowledge

NM_006766.5(KAT6A):c.4370A>G (p.Gln1457Arg)

Gene: KAT6A (lysine acetyltransferase 6A; minus strand). Cytogenetic location: 8p11.21.
Variant type: single nucleotide variant.
Coding change: c.4370A>G on transcript NM_006766.5 (MANE Select); coding-DNA position 4370, A replaced by G.
Protein change: p.Gln1457Arg; replaces glutamine 1457 with arginine.
Molecular consequence: missense variant.
Genome position (GRCh38, 1-based): chr8:41,933,850, T>C on the plus strand (A>G on the coding strand, the complement: KAT6A is on the minus strand). VCF-style: chr8-41933850-T-C. GRCh37 (hg19) VCF-style: chr8-41791368-T-C.
Other names: short protein forms Q1457R.
Identifiers: ClinVar variation 2579411 (VCV002579411.1), dbSNP rs2486755090, ClinGen allele CA371065967.